The following is an entry in ClinVar:

ClinVar aggregate classification (germline): Benign/Likely benign. Review status: criteria provided, multiple submitters, no conflicts (2 of 4 stars). 7 submissions from 7 submitters: Benign (2); Likely benign (5). Last evaluated 2026-01-28.

Conditions:
Finnish type amyloidosis. Also called: Lattice corneal dystrophy associated with familial systemic amyloidosis; Meretoja's syndrome; Lattice dystrophy of the cornea with hereditary generalized amyloidosis; AMYLOIDOSIS, HEREDITARY SYSTEMIC 4, FINNISH TYPE; AMYLOID CRANIAL NEUROPATHY WITH LATTICE CORNEAL DYSTROPHY; AMYLOIDOSIS DUE TO MUTANT GELSOLIN. Identifiers: Orphanet 85448, MedGen C1622345, MONDO:0007097, OMIM 105120.
GSN-related disorder. Also called: GSN-related condition.
Inborn genetic diseases. Identifiers: MedGen C0950123, MeSH D030342.

Allele frequency attached by ClinVar (database versions not stated): 1000 Genomes Project 30x 0.00016; 1000 Genomes Project 0.00020; gnomAD exomes 0.00023; TOPMed 0.00023; gnomAD 0.00025; ExAC 0.00027; ESP Exome Variant Server 0.00031.
gnomAD v4.1: 690 of 1,614,160 alleles (0.043%); highest among the groups gnomAD compares: Non-Finnish European, 0.056%; 1 homozygote.

Submissions (7):

Labcorp Genetics (formerly Invitae), Labcorp
Classification: Likely benign. Last evaluated: 2026-01-28. Review status: criteria provided, single submitter. Criteria: Invitae Variant Classification Sherloc (09022015). Collection method: clinical testing. Allele origin: germline.

PreventionGenetics, part of Exact Sciences
Classification: Likely benign for GSN-related condition. Last evaluated: 2025-05-14. Review status: criteria provided, single submitter. Criteria: ACMG Guidelines, 2015. Collection method: clinical testing. Allele origin: germline.
Comment: This variant is classified as likely benign based on ACMG/AMP sequence variant interpretation guidelines (Richards et al. 2015 PMID: 25741868, with internal and published modifications).

Blueprint Genetics
Classification: Likely benign. Last evaluated: 2024-10-23. Review status: criteria provided, single submitter. Criteria: ACMG Guidelines, 2015. Collection method: clinical testing. Allele origin: germline.

CeGaT Center for Human Genetics Tuebingen
Classification: Likely benign. Last evaluated: 2024-02-01. Review status: criteria provided, single submitter. Criteria: CeGaT Center For Human Genetics Tuebingen Variant Classification Criteria Version 2. Collection method: clinical testing. Allele origin: germline. Affected: yes. Observed: 1 variant allele.
Comment: GSN: BP4, BP7

Mayo Clinic Laboratories, Mayo Clinic
Classification: Benign. Last evaluated: 2020-10-06. Review status: criteria provided, single submitter. Criteria: ACMG Guidelines, 2015. Collection method: clinical testing. Allele origin: germline. Observed: 5 variant alleles.

Ambry Genetics
Classification: Likely benign for Inborn genetic diseases. Last evaluated: 2019-07-11. Review status: criteria provided, single submitter. Criteria: Ambry Variant Classification Scheme 2023. Collection method: clinical testing. Allele origin: germline.

Illumina Laboratory Services, Illumina
Classification: Benign for Finnish type amyloidosis. Last evaluated: 2018-01-12. Review status: criteria provided, single submitter. Criteria: ICSL Variant Classification Criteria 13 December 2019. Collection method: clinical testing. Allele origin: germline.
Comment: This variant was observed in the ICSL laboratory as part of a predisposition screen in an ostensibly healthy population. It had not been previously curated by ICSL or reported in the Human Gene Mutation Database (HGMD: prior to June 1st, 2018), and was therefore a candidate for classification through an automated scoring system. Utilizing variant allele frequency, disease prevalence and penetrance estimates, and inheritance mode, an automated score was calculated to assess if this variant is too frequent to cause the disease. Based on the score and internal cut-off values, a variant classified as benign is not then subjected to further curation. The score for this variant resulted in a classification of benign for this disease.

NM_198252.3(GSN):c.1098G>A (p.Val366=)

Gene: GSN (gelsolin; plus strand). Cytogenetic location: 9q33.2.
Variant type: single nucleotide variant.
Coding change: c.1098G>A on transcript NM_198252.3 (MANE Select); coding-DNA position 1098, G replaced by A.
Protein change: p.Val366=; no amino-acid change (valine 366 retained).
Molecular consequence: synonymous variant.
Genome position (GRCh38, 1-based): chr9:121,318,787, G>A. VCF-style: chr9-121318787-G-A. GRCh37 (hg19) VCF-style: chr9-124081065-G-A.
Other names: p.Val417=; c.1251G>A, p.Val417= (NM_000177.5); c.1098G>A, p.Val366= (NM_001127662.2, NM_001127664.2, NM_001127665.2 and 10 more transcripts); c.1206G>A, p.Val402= (NM_001127663.2); c.1131G>A, p.Val377= (NM_001127666.2, NM_001127667.2, NM_001353063.2 and 13 more transcripts); c.1149G>A, p.Val383= (NM_001258029.2); c.1122G>A, p.Val374= (NM_001258030.2); c.1170G>A, p.Val390= (NM_001353076.2); and 1 more.
Identifiers: ClinVar variation 364808 (VCV000364808.39), dbSNP rs201325199, ClinGen allele CA5221145.